The following is an entry in ClinVar:

ClinVar aggregate classification (germline): Uncertain significance (1 of 4 stars; one submission).

Allele frequency attached by ClinVar (database versions not stated): gnomAD exomes below 0.00001; gnomAD 0.00001.
gnomAD v4.1: 3 of 1,612,334 alleles (0.00019%); highest among the groups gnomAD compares: East Asian, 0.0022%; no homozygotes.

Submission:

Labcorp Genetics (formerly Invitae), Labcorp
Classification: Uncertain significance. Last evaluated: 2022-10-17. Review status: criteria provided, single submitter. Criteria: Invitae Variant Classification Sherloc (09022015). Collection method: clinical testing. Allele origin: germline.
Comment: This sequence change replaces arginine, which is basic and polar, with histidine, which is basic and polar, at codon 1073 of the NBAS protein (p.Arg1073His). The frequency data for this variant in the population databases is considered unreliable, as metrics indicate poor data quality at this position in the gnomAD database. This variant has not been reported in the literature in individuals affected with NBAS-related conditions. Advanced modeling of protein sequence and biophysical properties (such as structural, functional, and spatial information, amino acid conservation, physicochemical variation, residue mobility, and thermodynamic stability) performed at Invitae indicates that this missense variant is not expected to disrupt NBAS protein function. In summary, the available evidence is currently insufficient to determine the role of this variant in disease. Therefore, it has been classified as a Variant of Uncertain Significance.

NM_015909.4(NBAS):c.3218G>A (p.Arg1073His)

Gene: NBAS (NBAS subunit of NRZ tethering complex; minus strand). Cytogenetic location: 2p24.3.
Variant type: single nucleotide variant.
Coding change: c.3218G>A on transcript NM_015909.4 (MANE Select); coding-DNA position 3218, G replaced by A.
Protein change: p.Arg1073His; replaces arginine 1073 with histidine.
Molecular consequence: missense variant. On other transcripts: non-coding transcript variant (1).
Genome position (GRCh38, 1-based): chr2:15,394,266, C>T on the plus strand (G>A on the coding strand, the complement: NBAS is on the minus strand). VCF-style: chr2-15394266-C-T. GRCh37 (hg19) VCF-style: chr2-15534390-C-T.
Other names: short protein forms R1073H.
Identifiers: ClinVar variation 1961229 (VCV001961229.2), dbSNP rs557345395, ClinGen allele CA42616679.